The following is an entry in ClinVar:

ClinVar aggregate classification (germline): Uncertain significance. Review status: criteria provided, multiple submitters, no conflicts (2 of 4 stars). 6 submissions from 6 submitters: Uncertain significance (4). 2 of the submissions do not count toward it. Last evaluated 2023-02-09.

Conditions:
Cortical dysplasia-focal epilepsy syndrome (PTHSL1). Also called: Pitt-Hopkins-like syndrome 1. Identifiers: Orphanet 163681, Orphanet 221150, MedGen C2750246, MONDO:0012400, OMIM 610042.

Allele frequency attached by ClinVar (database versions not stated): ExAC 0.00003; gnomAD exomes 0.00004 and 0.00009; TOPMed 0.00004; gnomAD 0.00006; ESP Exome Variant Server 0.00015; 1000 Genomes Project 30x 0.00016; 1000 Genomes Project 0.00020.
gnomAD v4.1: 142 of 1,614,158 alleles (0.0088%); highest among the groups gnomAD compares: Non-Finnish European, 0.011%; no homozygotes.

Submissions (6):

St. Anna Children's Cancer Research Institute (CCRI)
Classification: Uncertain significance for Cortical dysplasia-focal epilepsy syndrome. Last evaluated: 2023-02-09. Review status: criteria provided, single submitter. Criteria: ACMG Guidelines, 2015. Collection method: research. Allele origin: paternal. Inheritance: Autosomal recessive inheritance. Affected: yes. Observed: 1 heterozygote.
Comment: ACMG classification of pathogenicity variant 2: PM2, PP3

Labcorp Genetics (formerly Invitae), Labcorp
Classification: Uncertain significance for Cortical dysplasia-focal epilepsy syndrome. Last evaluated: 2022-07-19. Review status: criteria provided, single submitter. Criteria: Invitae Variant Classification Sherloc (09022015). Collection method: clinical testing. Allele origin: germline.
Comment: This sequence change replaces glycine, which is neutral and non-polar, with arginine, which is basic and polar, at codon 817 of the CNTNAP2 protein (p.Gly817Arg). This variant is present in population databases (rs140239461, gnomAD 0.008%). This variant has not been reported in the literature in individuals affected with CNTNAP2-related conditions. ClinVar contains an entry for this variant (Variation ID: 854477). Algorithms developed to predict the effect of missense changes on protein structure and function (SIFT, PolyPhen-2, Align-GVGD) all suggest that this variant is likely to be disruptive. Algorithms developed to predict the effect of sequence changes on RNA splicing suggest that this variant may create or strengthen a splice site. In summary, the available evidence is currently insufficient to determine the role of this variant in disease. Therefore, it has been classified as a Variant of Uncertain Significance.

Blueprint Genetics
Classification: Uncertain significance. Last evaluated: 2021-01-07. Review status: criteria provided, single submitter. Criteria: ACMG Guidelines, 2015. Collection method: clinical testing. Allele origin: germline.

GeneDx
Classification: Uncertain significance. Last evaluated: 2019-06-07. Review status: criteria provided, single submitter. Criteria: GeneDx Variant Classification Process June 2021. Collection method: clinical testing. Allele origin: germline. Affected: yes.
Comment: In silico analysis, which includes protein predictors and evolutionary conservation, supports a deleterious effect; Has not been previously published as pathogenic or benign to our knowledge

Clinical Genetics DNA and cytogenetics Diagnostics Lab, Erasmus MC, Erasmus Medical Center
Classification: Uncertain significance. Review status: no assertion criteria provided. Collection method: clinical testing. Allele origin: germline. Affected: yes. Study: VKGL Data-share Consensus. Not counted in ClinVar's aggregate classification.

Laboratory of Diagnostic Genome Analysis, Leiden University Medical Center (LUMC)
Classification: Uncertain significance. Review status: no assertion criteria provided. Collection method: clinical testing. Allele origin: germline. Affected: yes. Study: VKGL Data-share Consensus. Not counted in ClinVar's aggregate classification.

NM_014141.6(CNTNAP2):c.2449G>A (p.Gly817Arg)

Gene: CNTNAP2 (contactin associated protein 2; plus strand). Cytogenetic location: 7q35.
Variant type: single nucleotide variant.
Coding change: c.2449G>A on transcript NM_014141.6 (MANE Select); coding-DNA position 2449, G replaced by A.
Protein change: p.Gly817Arg; replaces glycine 817 with arginine.
Molecular consequence: missense variant.
Genome position (GRCh38, 1-based): chr7:148,118,183, G>A. VCF-style: chr7-148118183-G-A. GRCh37 (hg19) VCF-style: chr7-147815275-G-A.
Other names: short protein forms G817R.
Identifiers: ClinVar variation 854477 (VCV000854477.13), dbSNP rs140239461, ClinGen allele CA4546402.
Genomic context (GRCh38, chr7:148,118,183, plus strand): 5'-TATTGGAATGCCGCCTCTTTCCCAAACCCATCCTCCTACCTGCACTTCTCTACTTTCCAA[G>A]GGGAAACTAGCGCTGACATTTCTTTCTACTTCAAAACATTAACCCCCTGGGGAGTGTTTC-3'
Protein context (NP_054860.1, residues 807-827): SSYLHFSTFQ[Gly817Arg]ETSADISFYF